The following is an entry in ClinVar:

NM_000135.4(FANCA):c.1777-1G>C

Gene: FANCA (FA complementation group A; minus strand). Cytogenetic location: 16q24.3.
Variant type: single nucleotide variant.
Coding change: c.1777-1G>C on transcript NM_000135.4 (MANE Select); the canonical splice acceptor site of the intron before coding-DNA position 1777, G replaced by C.
Molecular consequence: splice acceptor variant.
Genome position (GRCh38, 1-based): chr16:89,778,851, C>G on the plus strand (G>C on the coding strand, the complement: FANCA is on the minus strand). VCF-style: chr16-89778851-C-G. GRCh37 (hg19) VCF-style: chr16-89845259-C-G.
Other names: c.1777-1G>C (NM_001286167.3, NM_000135.3).
Identifiers: ClinVar variation 550567 (VCV000550567.22), dbSNP rs755104393, ClinGen allele CA8252071.
Genomic context (GRCh38, chr16:89,778,851, plus strand): 5'-TGCTGCATACCTCTTCAGAGACTCTATAAACGCCACACGGGAGTCAGGGACTTTGGGGAG[C>G]TGTGGGAAGAGAAGAGACCTGTGAGAGACTGACAAGGAAAGTCCTTGCTTTCTACACAAC-3'

ClinVar aggregate classification (germline): Pathogenic/Likely pathogenic. Review status: criteria provided, multiple submitters, no conflicts (2 of 4 stars). 8 submissions from 8 submitters: Pathogenic (1); Likely pathogenic (6). 1 of the submissions does not count toward it. Last evaluated 2025-05-26.

Conditions:
Fanconi anemia (FA). Also called: Fanconi's anemia. Identifiers: Orphanet 84, MedGen C0015625, MeSH D005199, MONDO:0019391.
FANCA-related disorders.
Fanconi anemia complementation group A (FANCA). Also called: Fanconi anemia, group A; FANCA-Related Fanconi Anemia. Identifiers: Orphanet 84, MedGen C3469521, MONDO:0009215, OMIM 227650.

Allele frequency attached by ClinVar (database versions not stated): TOPMed 0.00001; ExAC 0.00002; gnomAD exomes 0.00002.
gnomAD v4.1: 5 of 1,613,968 alleles (0.00031%); highest among the groups gnomAD compares: East Asian, 0.0089%; no homozygotes.

Submissions (8):

Labcorp Genetics (formerly Invitae), Labcorp
Classification: Likely pathogenic for Fanconi anemia. Last evaluated: 2025-05-26. Review status: criteria provided, single submitter. Criteria: Invitae Variant Classification Sherloc (09022015). Collection method: clinical testing. Allele origin: germline.
Comment: This sequence change affects an acceptor splice site in intron 19 of the FANCA gene. It is expected to disrupt RNA splicing. Variants that disrupt the donor or acceptor splice site typically lead to a loss of protein function (PMID: 16199547), and loss-of-function variants in FANCA are known to be pathogenic (PMID: 19367192). This variant is present in population databases (rs755104393, gnomAD 0.03%). Disruption of this splice site has been observed in individual(s) with Fanconi anemia (PMID: 29098742). ClinVar contains an entry for this variant (Variation ID: 550567). Algorithms developed to predict the effect of sequence changes on RNA splicing suggest that this variant may disrupt the consensus splice site. In summary, the currently available evidence indicates that the variant is pathogenic, but additional data are needed to prove that conclusively. Therefore, this variant has been classified as Likely Pathogenic.

Natera, Inc.
Classification: Likely pathogenic for Fanconi anemia. Last evaluated: 2025-02-28. Review status: criteria provided, single submitter. Criteria: Natera Variant Classification Schema (03/2026). Collection method: clinical testing. Allele origin: germline.
Comment: The c.1777-1G>C variant in FANCA is a canonical splice acceptor site variant predicted to affect pre-mRNA splicing, which may result in an abnormal transcript and altered protein product. This variant is expected to result in nonsense mediated decay, truncation, or a dysfunctional protein product. This variant is rare in the general population with a frequency below the threshold expected for the associated phenotype(s). Given the available evidence, this variant is classified as Likely Pathogenic.

Fulgent Genetics
Classification: Likely pathogenic for Fanconi anemia complementation group A. Last evaluated: 2024-06-13. Review status: criteria provided, single submitter. Criteria: ACMG Guidelines, 2015. Collection method: clinical testing. Allele origin: germline.

Women's Health and Genetics/Laboratory Corporation of America, LabCorp
Classification: Likely pathogenic for Fanconi anemia. Last evaluated: 2024-05-16. Review status: criteria provided, single submitter. Criteria: LabCorp Variant Classification Summary - May 2015. Collection method: clinical testing. Allele origin: germline.
Comment: Variant summary: FANCA c.1777-1G>C is located in a canonical splice-site and is predicted to affect mRNA splicing resulting in a significantly altered protein due to either exon skipping, shortening, or inclusion of intronic material. Several computational tools predict a significant impact on normal splicing: Four predict the variant abolishes the canonical 3' acceptor site. However, these predictions have yet to be confirmed by functional studies. The variant allele was found at a frequency of 2.4e-05 in 251488 control chromosomes. c.1777-1G>C has been reported in the literature in one individual affected with Fanconi Anemia and one carrier (example, Kimble_2018, Chau_2022). These data do not allow any conclusion about variant significance. To our knowledge, no experimental evidence demonstrating an impact on protein function has been reported. The following publications have been ascertained in the context of this evaluation (PMID: 35314707, 29098742). ClinVar contains an entry for this variant (Variation ID: 550567). Based on the evidence outlined above, the variant was classified as likely pathogenic.

Baylor Genetics
Classification: Likely pathogenic for Fanconi anemia complementation group A. Last evaluated: 2024-03-30. Review status: criteria provided, single submitter. Criteria: ACMG Guidelines, 2015. Collection method: clinical testing. Allele origin: unknown.

Blueprint Genetics
Classification: Likely pathogenic for FANCA-related disorders. Last evaluated: 2019-05-08. Review status: criteria provided, single submitter. Criteria: ACMG Guidelines, 2015. Collection method: clinical testing. Allele origin: germline. Affected: yes. Observed: 1 variant allele.

Juno Genomics, Hangzhou Juno Genomics, Inc
Classification: Pathogenic for Fanconi anemia complementation group A. Review status: criteria provided, single submitter. Criteria: ACMG Guidelines, 2015. Collection method: clinical testing. Allele origin: germline.
Comment: Absent from controls (or at extremely low frequency if recessive) in Genome Aggregation Database.;Null variant in a gene where loss of function (LOF) is a known mechanism of disease.;For recessive disorders, detected in trans with a pathogenic variant.

Counsyl
Classification: Likely pathogenic for Fanconi anemia complementation group A. Last evaluated: 2017-02-01. Review status: no assertion criteria provided. Collection method: clinical testing. Allele origin: unknown. Not counted in ClinVar's aggregate classification.

Literature cited by the submitters: PubMed 16199547 (cited by Labcorp Genetics (formerly Invitae), Labcorp); PubMed 19367192 (cited by Labcorp Genetics (formerly Invitae), Labcorp); PubMed 29098742 (cited by Labcorp Genetics (formerly Invitae), Labcorp and Women's Health and Genetics/Laboratory Corporation of America, LabCorp); PubMed 35314707 (cited by Women's Health and Genetics/Laboratory Corporation of America, LabCorp).